The following is an entry in ClinVar:

ClinVar aggregate classification (germline): Benign/Likely benign. Review status: criteria provided, multiple submitters, no conflicts (2 of 4 stars). 3 submissions from 3 submitters: Benign (1); Likely benign (1). 1 of the submissions does not count toward it. Last evaluated 2025-12-15.

Conditions:
FZD2-related disorder. Also called: FZD2-related condition.

Allele frequency attached by ClinVar (database versions not stated): 1000 Genomes Project 30x 0.00016; 1000 Genomes Project 0.00020; TOPMed 0.00058; ESP Exome Variant Server 0.00069; ExAC 0.00083; gnomAD 0.00083 and 0.00088; gnomAD exomes 0.00087 and 0.00096.

Submissions (3):

Labcorp Genetics (formerly Invitae), Labcorp
Classification: Likely benign. Last evaluated: 2025-12-15. Review status: criteria provided, single submitter. Criteria: Invitae Variant Classification Sherloc (09022015). Collection method: clinical testing. Allele origin: germline.

CeGaT Center for Human Genetics Tuebingen
Classification: Benign. Last evaluated: 2024-09-01. Review status: criteria provided, single submitter. Criteria: CeGaT Center For Human Genetics Tuebingen Variant Classification Criteria Version 2. Collection method: clinical testing. Allele origin: germline. Affected: yes. Observed: 1 variant allele.
Comment: FZD2: PP2, BS1, BS2

PreventionGenetics, part of Exact Sciences
Classification: Likely benign for FZD2-related condition. Last evaluated: 2020-09-15. Review status: no assertion criteria provided. Collection method: clinical testing. Allele origin: germline. Not counted in ClinVar's aggregate classification.
Comment: This variant is classified as likely benign based on ACMG/AMP sequence variant interpretation guidelines (Richards et al. 2015 PMID: 25741868, with internal and published modifications).

NM_001466.4(FZD2):c.1370G>A (p.Arg457Gln)

Gene: FZD2 (frizzled class receptor 2; plus strand). Cytogenetic location: 17q21.31.
Variant type: single nucleotide variant.
Coding change: c.1370G>A on transcript NM_001466.4 (MANE Select); coding-DNA position 1370, G replaced by A.
Protein change: p.Arg457Gln; replaces arginine 457 with glutamine.
Molecular consequence: missense variant.
Genome position (GRCh38, 1-based): chr17:44,559,058, G>A. VCF-style: chr17-44559058-G-A. GRCh37 (hg19) VCF-style: chr17-42636426-G-A.
Other names: c.1370G>A (NM_001466.3); short protein forms R457Q.
Identifiers: ClinVar variation 1595347 (VCV001595347.24), dbSNP rs141791958, ClinGen allele CA8604776.